The following is an entry in ClinVar:

ClinVar aggregate classification (germline): Likely benign (1 of 4 stars; one submission).

gnomAD v4.1: 572 of 1,608,614 alleles (0.036%); highest among the groups gnomAD compares: Non-Finnish European, 0.045%; no homozygotes.

Submission:

CeGaT Center for Human Genetics Tuebingen
Classification: Likely benign. Last evaluated: 2026-03-01. Review status: criteria provided, single submitter. Criteria: CeGaT Center For Human Genetics Tuebingen Variant Classification Criteria Version 2. Collection method: clinical testing. Allele origin: germline. Affected: yes. Observed: 1 variant allele.
Comment: SMPD4: BP4, BP7

NM_017951.5(SMPD4):c.69G>A (p.Lys23=)

Gene: SMPD4 (sphingomyelin phosphodiesterase 4; minus strand). Cytogenetic location: 2q21.1.
Variant type: single nucleotide variant.
Coding change: c.69G>A on transcript NM_017951.5 (MANE Select); coding-DNA position 69, G replaced by A.
Protein change: p.Lys23=; no amino-acid change (lysine 23 retained).
Molecular consequence: synonymous variant. On other transcripts: non-coding transcript variant (2).
Genome position (GRCh38, 1-based): chr2:130,174,971, C>T on the plus strand (G>A on the coding strand, the complement: SMPD4 is on the minus strand). VCF-style: chr2-130174971-C-T. GRCh37 (hg19) VCF-style: chr2-130932544-C-T.
Other names: c.186G>A, p.Lys62= (NM_001171083.2, NM_017751.4).
Identifiers: ClinVar variation 4820810 (VCV004820810.4).
Genomic context (GRCh38, chr2:130,174,971, plus strand): 5'-TACCTTTGCTGGAAAGTCCTCAATGACTTTAACCAAGTCTTGGCACTGCTGTGCAAAGGG[C>T]TTATTTATAGAGTCAGCTTTCAGGCTAGCCTAGAAGACAGAACAAAGCGAAAAAGTCACG-3'
Protein context (NP_060421.3, residues 13-33): LASLKADSIN[Lys23=]PFAQQCQDLV